The following is an entry in ClinVar:

NM_001848.3(COL6A1):c.739-18C>T

Gene: COL6A1 (collagen type VI alpha 1 chain; plus strand). Cytogenetic location: 21q22.3.
Variant type: single nucleotide variant.
Coding change: c.739-18C>T on transcript NM_001848.3 (MANE Select); 18 bases into the intron before coding-DNA position 739, C replaced by T.
Molecular consequence: intron variant.
Genome position (GRCh38, 1-based): chr21:45,987,481, C>T. VCF-style: chr21-45987481-C-T. GRCh37 (hg19) VCF-style: chr21-47407395-C-T.
Identifiers: ClinVar variation 93886 (VCV000093886.37), dbSNP rs144843800, ClinGen allele CA147417.

ClinVar aggregate classification (germline): Benign/Likely benign. Review status: criteria provided, multiple submitters, no conflicts (2 of 4 stars). 5 submissions from 5 submitters: Benign (3); Likely benign (2). Last evaluated 2026-07-01.

Conditions:
Bethlem myopathy 1A. Also called: MYOPATHY, BENIGN CONGENITAL, WITH CONTRACTURES; Bethlem myopathy 1; Bethlem Muscular Dystrophy. Identifiers: Orphanet 610, MedGen CN029274, MONDO:0024530, OMIM 158810.

Allele frequency attached by ClinVar (database versions not stated): 1000 Genomes Project 30x 0.00187; TOPMed 0.00218; 1000 Genomes Project 0.00220; ESP Exome Variant Server 0.00292; gnomAD exomes 0.00486 and 0.00579; ExAC 0.00531; gnomAD 0.00538 and 0.00561.
gnomAD v4.1: 7,815 of 1,613,034 alleles (0.48%); highest among the groups gnomAD compares: Non-Finnish European, 0.43%; 60 homozygotes.

Submissions (5):

CeGaT Center for Human Genetics Tuebingen
Classification: Likely benign. Last evaluated: 2026-07-01. Review status: criteria provided, single submitter. Criteria: CeGaT Center For Human Genetics Tuebingen Variant Classification Criteria Version 2. Collection method: clinical testing. Allele origin: germline. Affected: yes. Observed: 10 variant alleles.
Comment: COL6A1: BS2

Labcorp Genetics (formerly Invitae), Labcorp
Classification: Benign for Bethlem myopathy 1A. Last evaluated: 2026-01-24. Review status: criteria provided, single submitter. Criteria: Invitae Variant Classification Sherloc (09022015). Collection method: clinical testing. Allele origin: germline.

GeneDx
Classification: Benign. Last evaluated: 2016-04-28. Review status: criteria provided, single submitter. Criteria: GeneDx Variant Classification (06012015). Collection method: clinical testing. Allele origin: germline. Affected: yes.
Comment: This variant is considered likely benign or benign based on one or more of the following criteria: it is a conservative change, it occurs at a poorly conserved position in the protein, it is predicted to be benign by multiple in silico algorithms, and/or has population frequency not consistent with disease.

Eurofins Ntd Llc (ga)
Classification: Benign. Last evaluated: 2013-09-24. Review status: criteria provided, single submitter. Criteria: EGL Classification Definitions 2015. Collection method: clinical testing. Allele origin: germline. Observed: 1 variant allele, 1 heterozygote.

PreventionGenetics, part of Exact Sciences
Classification: Likely benign. Review status: criteria provided, single submitter. Criteria: ACMG Guidelines, 2015. Collection method: clinical testing. Allele origin: germline.